The following is an entry in ClinVar:

ClinVar aggregate classification (germline): Uncertain significance (1 of 4 stars; one submission).

Conditions:
Inborn genetic diseases. Identifiers: MedGen C0950123, MeSH D030342.

Submission:

Ambry Genetics
Classification: Uncertain significance for Inborn genetic diseases. Last evaluated: 2021-01-12. Review status: criteria provided, single submitter. Criteria: Ambry Variant Classification Scheme 2023. Collection method: clinical testing. Allele origin: germline.
Comment: The c.1045G>A (p.V349I) alteration is located in exon 4 (coding exon 4) of the TUBB gene. This alteration results from a G to A substitution at nucleotide position 1045, causing the valine (V) at amino acid position 349 to be replaced by an isoleucine (I). The p.V349I alteration is predicted to be tolerated by in silico analysis. Based on insufficient or conflicting evidence, the clinical significance of this alteration remains unclear.

NM_178014.4(TUBB):c.1045G>A (p.Val349Ile)

Gene: TUBB (tubulin beta class I; plus strand). Cytogenetic location: 6p21.33.
Variant type: single nucleotide variant.
Coding change: c.1045G>A on transcript NM_178014.4 (MANE Select); coding-DNA position 1045, G replaced by A.
Protein change: p.Val349Ile; replaces valine 349 with isoleucine.
Molecular consequence: missense variant. On other transcripts: non-coding transcript variant (1).
Genome position (GRCh38, 1-based): chr6:30,724,107, G>A. VCF-style: chr6-30724107-G-A. GRCh37 (hg19) VCF-style: chr6-30691884-G-A.
Other names: c.1105G>A, p.Val369Ile (NM_001293212.2); c.439G>A, p.Val147Ile (NM_001293213.2); c.913G>A, p.Val305Ile (NM_001293214.2); c.829G>A, p.Val277Ile (NM_001293215.2, NM_001293216.2); short protein forms V305I, V349I, V369I, V147I, V277I.
Identifiers: ClinVar variation 2228702 (VCV002228702.2), dbSNP rs2536609757, ClinGen allele CA363150325.